The following is an entry in ClinVar:

ClinVar aggregate classification (germline): Conflicting classifications of pathogenicity. Review status: criteria provided, conflicting classifications (1 of 4 stars). 13 submissions from 12 submitters: Uncertain significance (1); Benign (1); Likely benign (8). 3 of the submissions do not count toward it. Last evaluated 2026-02-02.

Conditions:
Autoinflammatory syndrome. Identifiers: Orphanet 93665, MedGen C3890737, MONDO:0019751.
Inflammatory bowel disease 1 (IBD1). Also called: INFLAMMATORY BOWEL DISEASE (CROHN DISEASE) 1; Inflammatory bowel disease 1, Crohn disease. Identifiers: MedGen CN260071, MONDO:0009960, OMIM 266600.
Blau syndrome (BLAUS). Also called: GRANULOMATOSIS, FAMILIAL JUVENILE SYSTEMIC; GRANULOMATOSIS, FAMILIAL, BLAU TYPE; GRANULOMATOUS INFLAMMATORY ARTHRITIS, DERMATITIS, AND UVEITIS, FAMILIAL; JABS SYNDROME; ARTHROCUTANEOUVEAL GRANULOMATOSIS. Identifiers: Orphanet 90340, MedGen C5201146, MONDO:0008523, OMIM 186580.
Regional enteritis. Also called: Enteritis, Granulomatous. Identifiers: MedGen C0678202, MeSH D003424.

Allele frequency attached by ClinVar (database versions not stated): 1000 Genomes Project 0.00140; 1000 Genomes Project 30x 0.00141; gnomAD exomes 0.00225 and 0.00308; TOPMed 0.00255; ExAC 0.00259; gnomAD 0.00268 and 0.00291; ESP Exome Variant Server 0.00392.
gnomAD v4.1: 4,866 of 1,613,890 alleles (0.3%); highest among the groups gnomAD compares: Non-Finnish European, 0.38%; 7 homozygotes.

Submissions (13):

Labcorp Genetics (formerly Invitae), Labcorp
Classification: Likely benign for Regional enteritis; Blau syndrome. Last evaluated: 2026-02-02. Review status: criteria provided, single submitter. Criteria: Invitae Variant Classification Sherloc (09022015). Collection method: clinical testing. Allele origin: germline.

CeGaT Center for Human Genetics Tuebingen
Classification: Likely benign. Last evaluated: 2026-01-01. Review status: criteria provided, single submitter. Criteria: CeGaT Center For Human Genetics Tuebingen Variant Classification Criteria Version 2. Collection method: clinical testing. Allele origin: germline. Affected: yes. Observed: 11 variant alleles.
Comment: NOD2: BP4, BS1

Women's Health and Genetics/Laboratory Corporation of America, LabCorp
Classification: Likely benign. Last evaluated: 2025-12-24. Review status: criteria provided, single submitter. Criteria: LabCorp Variant Classification Summary - May 2015. Collection method: clinical testing. Allele origin: germline.

Mayo Clinic Laboratories, Mayo Clinic
Classification: Likely benign. Last evaluated: 2025-09-03. Review status: criteria provided, single submitter. Criteria: ACMG Guidelines, 2015. Collection method: clinical testing. Allele origin: germline. Observed: 8 variant alleles.
Comment: BS1, BS2, BP4_moderate

ARUP Laboratories, Molecular Genetics and Genomics, ARUP Laboratories
Classification: Likely benign. Last evaluated: 2025-05-26. Review status: criteria provided, single submitter. Criteria: ARUP Molecular Germline Variant Investigation Process 2024. Collection method: clinical testing. Allele origin: germline.

Blueprint Genetics
Classification: Likely benign. Last evaluated: 2024-11-17. Review status: criteria provided, single submitter. Criteria: ACMG Guidelines, 2015. Collection method: clinical testing. Allele origin: germline.

Genome Diagnostics Laboratory, The Hospital for Sick Children
Classification: Likely benign for Autoinflammatory syndrome. Last evaluated: 2021-12-03. Review status: criteria provided, single submitter. Criteria: ACMG Guidelines, 2015. Collection method: clinical testing. Allele origin: germline. Affected: yes.

Baylor Genetics
Classification: Uncertain significance for Inflammatory bowel disease 1. Last evaluated: 2018-07-03. Review status: criteria provided, single submitter. Criteria: ACMG Guidelines, 2015. Collection method: clinical testing. Allele origin: maternal. Affected: yes.
Comment: This variant was determined to be of uncertain significance according to ACMG Guidelines, 2015 [PMID:25741868].

Illumina Laboratory Services, Illumina
Classification: Likely benign for Inflammatory bowel disease 1. Last evaluated: 2018-03-06. Review status: criteria provided, single submitter. Criteria: ICSL Variant Classification Criteria 13 December 2019. Collection method: clinical testing. Allele origin: germline.
Comment: This variant was observed in the ICSL laboratory as part of a predisposition screen in an ostensibly healthy population. It had not been previously curated by ICSL or reported in the Human Gene Mutation Database (HGMD: prior to June 1st, 2018), and was therefore a candidate for classification through an automated scoring system. Utilizing variant allele frequency, disease prevalence and penetrance estimates, and inheritance mode, an automated score was calculated to assess if this variant is too frequent to cause the disease. Based on the score and internal cut-off values, a variant classified as likely benign is not then subjected to further curation. The score for this variant resulted in a classification of likely benign for this disease.

Illumina Laboratory Services, Illumina
Classification: Benign for Blau syndrome. Last evaluated: 2018-03-06. Review status: criteria provided, single submitter. Criteria: ICSL Variant Classification Criteria 13 December 2019. Collection method: clinical testing. Allele origin: germline.
Comment: This variant was observed in the ICSL laboratory as part of a predisposition screen in an ostensibly healthy population. It had not been previously curated by ICSL or reported in the Human Gene Mutation Database (HGMD: prior to June 1st, 2018), and was therefore a candidate for classification through an automated scoring system. Utilizing variant allele frequency, disease prevalence and penetrance estimates, and inheritance mode, an automated score was calculated to assess if this variant is too frequent to cause the disease. Based on the score and internal cut-off values, a variant classified as benign is not then subjected to further curation. The score for this variant resulted in a classification of benign for this disease.

Clinical Genetics DNA and cytogenetics Diagnostics Lab, Erasmus MC, Erasmus Medical Center
Classification: Likely benign. Review status: no assertion criteria provided. Collection method: clinical testing. Allele origin: germline. Affected: yes. Study: VKGL Data-share Consensus. Not counted in ClinVar's aggregate classification.

Diagnostic Laboratory, Department of Genetics, University Medical Center Groningen
Classification: Likely benign. Review status: no assertion criteria provided. Collection method: clinical testing. Allele origin: germline. Affected: yes. Study: VKGL Data-share Consensus. Not counted in ClinVar's aggregate classification.

Genome Diagnostics Laboratory, University Medical Center Utrecht
Classification: Likely benign. Review status: no assertion criteria provided. Collection method: clinical testing. Allele origin: germline. Affected: yes. Study: VKGL Data-share Consensus. Not counted in ClinVar's aggregate classification.

NM_001370466.1(NOD2):c.485C>T (p.Thr162Met)

Gene: NOD2 (nucleotide binding oligomerization domain containing 2; plus strand). Cytogenetic location: 16q12.1.
Variant type: single nucleotide variant.
Coding change: c.485C>T on transcript NM_001370466.1 (MANE Select); coding-DNA position 485, C replaced by T.
Protein change: p.Thr162Met; replaces threonine 162 with methionine.
Molecular consequence: missense variant. On other transcripts: non-coding transcript variant (1).
Genome position (GRCh38, 1-based): chr16:50,707,880, C>T. VCF-style: chr16-50707880-C-T. GRCh37 (hg19) VCF-style: chr16-50741791-C-T.
Other names: c.566C>T (LRG_177t1); c.485C>T, p.Thr162Met (NM_001293557.2); c.566C>T, p.Thr189Met (NM_022162.3); short protein forms T189M, T162M.
Identifiers: ClinVar variation 319431 (VCV000319431.81), dbSNP rs61755182, ClinGen allele CA8051320.